The following is an entry in ClinVar:

ClinVar aggregate classification (germline): Benign/Likely benign. Review status: criteria provided, multiple submitters, no conflicts (2 of 4 stars). 8 submissions from 8 submitters: Benign (1); Likely benign (7). Last evaluated 2025-09-03.

Conditions:
Lynch syndrome 4 (LYNCH4). Also called: Colorectal cancer, hereditary nonpolyposis, type 4; Hereditary non-polyposis colorectal cancer, type 4. Identifiers: Orphanet 144, MedGen C1838333, MONDO:0013699, OMIM 614337. Disease mechanism: loss of function.
Mismatch repair cancer syndrome 4. Identifiers: MedGen C5436817, MONDO:0030843, OMIM 619101.
Lynch syndrome. Identifiers: Orphanet 144, MedGen C4552100, MONDO:0005835. Disease mechanism: loss of function.
Hereditary nonpolyposis colorectal neoplasms. Identifiers: MedGen C0009405, MeSH D003123.
Hereditary cancer-predisposing syndrome. Also called: Hereditary Cancer Syndrome; Tumor predisposition; Hereditary neoplastic syndrome; Neoplastic Syndromes, Hereditary. Identifiers: Orphanet 140162, MedGen C0027672, MeSH D009386, MONDO:0015356.

Allele frequency attached by ClinVar (database versions not stated): gnomAD exomes below 0.00001.
gnomAD v4.1: 2 of 1,611,768 alleles (0.00012%); highest among the groups gnomAD compares: Non-Finnish European, 0.000085%; no homozygotes.

Submissions (8):

Labcorp Genetics (formerly Invitae), Labcorp
Classification: Likely benign for Hereditary nonpolyposis colorectal neoplasms. Last evaluated: 2025-09-03. Review status: criteria provided, single submitter. Criteria: Invitae Variant Classification Sherloc (09022015). Collection method: clinical testing. Allele origin: germline.

Myriad Genetics, Inc.
Classification: Benign for Lynch syndrome 4. Last evaluated: 2025-01-27. Review status: criteria provided, single submitter. Criteria: Myriad Autosomal Dominant, Autosomal Recessive and X-Linked Classification Criteria (2023). Collection method: clinical testing. Allele origin: unknown.
Comment: This variant is considered benign. This variant is a silent/synonymous amino acid change and it is not expected to impact splicing.

All of Us Research Program, National Institutes of Health
Classification: Likely benign for Lynch syndrome. Last evaluated: 2023-08-28. Review status: criteria provided, single submitter. Criteria: ACMG Guidelines, 2015. Collection method: clinical testing. Allele origin: germline. Inheritance: Autosomal dominant inheritance. Observed: 2 variant alleles, 2 heterozygotes.
Comment: This study involves interpretation of variants in research participants for the purpose of population health screening. Participant phenotype was not available at the time of variant classification. Additional details can be found in publication PMID: 35346344, PMCID: PMC8962531

Department of Pathology and Laboratory Medicine, Sinai Health System
Classification: Likely benign for Lynch syndrome 4; Mismatch repair cancer syndrome 4. Last evaluated: 2022-04-05. Review status: criteria provided, single submitter. Criteria: ACMG Guidelines, 2015. Collection method: clinical testing. Allele origin: germline. Affected: no.

CeGaT Center for Human Genetics Tuebingen
Classification: Likely benign. Last evaluated: 2022-02-01. Review status: criteria provided, single submitter. Criteria: CeGaT Center For Human Genetics Tuebingen Variant Classification Criteria Version 2. Collection method: clinical testing. Allele origin: germline. Affected: yes. Observed: 1 variant allele.

Women's Health and Genetics/Laboratory Corporation of America, LabCorp
Classification: Likely benign. Last evaluated: 2019-08-29. Review status: criteria provided, single submitter. Criteria: LabCorp Variant Classification Summary - May 2015. Collection method: clinical testing. Allele origin: germline.

Color Diagnostics, LLC DBA Color Health
Classification: Likely benign for Hereditary cancer-predisposing syndrome. Last evaluated: 2018-04-17. Review status: criteria provided, single submitter. Criteria: ACMG Guidelines, 2015. Collection method: clinical testing. Allele origin: germline.

Ambry Genetics
Classification: Likely benign for Hereditary cancer-predisposing syndrome. Last evaluated: 2018-01-03. Review status: criteria provided, single submitter. Criteria: Ambry Variant Classification Scheme 2023. Collection method: clinical testing. Allele origin: germline.

NM_000535.7(PMS2):c.468A>T (p.Thr156=)

Gene: PMS2 (PMS1 homolog 2, mismatch repair system component; minus strand). Cytogenetic location: 7p22.1.
Variant type: single nucleotide variant.
Coding change: c.468A>T on transcript NM_000535.7 (MANE Select); coding-DNA position 468, A replaced by T.
Protein change: p.Thr156=; no amino-acid change (threonine 156 retained).
Molecular consequence: synonymous variant. On other transcripts: 5 prime UTR variant (2), non-coding transcript variant (1).
Genome position (GRCh38, 1-based): chr7:6,002,522, T>A on the plus strand (A>T on the coding strand, the complement: PMS2 is on the minus strand). VCF-style: chr7-6002522-T-A. GRCh37 (hg19) VCF-style: chr7-6042153-T-A.
Other names: c.63A>T, p.Thr21= (NM_001322003.2, NM_001322004.2, NM_001322005.2 and 3 more transcripts); c.468A>T, p.Thr156= (NM_001322006.2, NM_001322014.2); c.150A>T, p.Thr50= (NM_001322007.2, NM_001322008.2); c.-417A>T (NM_001322011.2, NM_001322012.2); c.159A>T, p.Thr53= (NM_001322015.2).
Identifiers: ClinVar variation 628203 (VCV000628203.50), dbSNP rs1364918195, ClinGen allele CA453647635.